The following is an entry in ClinVar:

NM_000059.4(BRCA2):c.6316C>A (p.Leu2106Ile)

Gene: BRCA2 (BRCA2 DNA repair associated; plus strand). Cytogenetic location: 13q13.1.
Variant type: single nucleotide variant.
Coding change: c.6316C>A on transcript NM_000059.4 (MANE Select); coding-DNA position 6316, C replaced by A.
Protein change: p.Leu2106Ile; replaces leucine 2106 with isoleucine.
Molecular consequence: missense variant. On other transcripts: non-coding transcript variant (1), intron variant (2).
Genome position (GRCh38, 1-based): chr13:32,340,671, C>A. VCF-style: chr13-32340671-C-A. GRCh37 (hg19) VCF-style: chr13-32914808-C-A.
Other names: c.6316C>A, p.Leu2106Ile (NM_001406719.1, NM_001406720.1, NM_001432077.1); c.1910-3887C>A (NM_001406721.1); c.425-3887C>A (NM_001406722.1); short protein forms L2106I.
Identifiers: ClinVar variation 3636505 (VCV003636505.2).

ClinVar aggregate classification (germline): Uncertain significance (1 of 4 stars; one submission).

Conditions:
Hereditary breast ovarian cancer syndrome. Also called: Hereditary breast and ovarian cancer syndrome; Hereditary breast and ovarian cancer syndrome (HBOC); BRCA1- and BRCA2-Associated Hereditary Breast and Ovarian Cancer; Hereditary breast and ovarian cancer; Breast and ovarian cancer; Hereditary breast and/or ovarian cancer syndrome. Identifiers: Orphanet 145, MedGen C0677776, MeSH D061325, MONDO:0003582. Disease mechanism: loss of function.

Submission:

Labcorp Genetics (formerly Invitae), Labcorp
Classification: Uncertain significance for Hereditary breast ovarian cancer syndrome. Last evaluated: 2025-01-03. Review status: criteria provided, single submitter. Criteria: Invitae Variant Classification Sherloc (09022015). Collection method: clinical testing. Allele origin: germline.
Comment: This sequence change replaces leucine, which is neutral and non-polar, with isoleucine, which is neutral and non-polar, at codon 2106 of the BRCA2 protein (p.Leu2106Ile). This variant is not present in population databases (gnomAD no frequency). This variant has not been reported in the literature in individuals affected with BRCA2-related conditions. Invitae Evidence Modeling of protein sequence and biophysical properties (such as structural, functional, and spatial information, amino acid conservation, physicochemical variation, residue mobility, and thermodynamic stability) indicates that this missense variant is not expected to disrupt BRCA2 protein function with a negative predictive value of 95%. In summary, the available evidence is currently insufficient to determine the role of this variant in disease. Therefore, it has been classified as a Variant of Uncertain Significance.